The following is an entry in ClinVar:

ClinVar aggregate classification (germline): Pathogenic (1 of 4 stars; one submission).

Submission:

Labcorp Genetics (formerly Invitae), Labcorp
Classification: Pathogenic. Last evaluated: 2025-03-31. Review status: criteria provided, single submitter. Criteria: Invitae Variant Classification Sherloc (09022015). Collection method: clinical testing. Allele origin: germline.
Comment: This sequence change creates a premature translational stop signal (p.Thr618Asnfs*7) in the MTTP gene. It is expected to result in an absent or disrupted protein product. Loss-of-function variants in MTTP are known to be pathogenic (PMID: 8533758, 9671739). This variant is not present in population databases (gnomAD no frequency). This variant has not been reported in the literature in individuals affected with MTTP-related conditions. For these reasons, this variant has been classified as Pathogenic.

Literature cited by the submitters: PubMed 8533758; PubMed 9671739.

NM_001386140.1(MTTP):c.1852dup (p.Thr618fs)

Gene: MTTP (microsomal triglyceride transfer protein; plus strand). Cytogenetic location: 4q23.
Variant type: Duplication.
Coding change: c.1852dup on transcript NM_001386140.1 (MANE Select); coding-DNA position 1852, one base duplicated (A; older notation c.1852dupA).
Protein change: p.Thr618fs; shifts the reading frame from threonine 618.
Molecular consequence: frameshift variant.
Genome position (GRCh38, 1-based): chr4:99,611,225, A duplicated. VCF-style (leftmost placement, unchanged base first): chr4-99611224-C-CA. GRCh37 (hg19) VCF-style: chr4-100532381-C-CA.
Other names: c.1852dup, p.Thr618fs (NM_000253.4); c.1603dup, p.Thr535fs (NM_001300785.2); short protein forms T618fs, T535fs.
Identifiers: ClinVar variation 3659342 (VCV003659342.2).